The following is an entry in ClinVar:

ClinVar aggregate classification (germline): Conflicting classifications of pathogenicity. Review status: criteria provided, conflicting classifications (1 of 4 stars). 6 submissions from 6 submitters: Uncertain significance (5); Likely benign (1). Last evaluated 2025-11-27.

Conditions:
Intrauterine growth retardation, metaphyseal dysplasia, adrenal hypoplasia congenita, genital anomalies, and immunodeficiency. Also called: IMAGEI SYNDROME. Identifiers: MedGen C5193036, MONDO:0032684, OMIM 618336.
Facial dysmorphism-immunodeficiency-livedo-short stature syndrome. Also called: FILS syndrome; Facial dysmorphism, immunodeficiency, livedo, and short stature. Identifiers: Orphanet 352712, MedGen C3554576, MONDO:0014058, OMIM 615139.
Colorectal cancer, susceptibility to, 12 (CRCS12). Also called: COLORECTAL CANCER, SUSCEPTIBILITY TO, ON CHROMOSOME 12q24. Identifiers: Orphanet 220460, MedGen C3554460, MONDO:0014038, OMIM 615083.
Hereditary cancer-predisposing syndrome. Also called: Hereditary neoplastic syndrome; Neoplastic Syndromes, Hereditary; Hereditary Cancer Syndrome; Tumor predisposition. Identifiers: Orphanet 140162, MedGen C0027672, MeSH D009386, MONDO:0015356.

Allele frequency attached by ClinVar (database versions not stated): ExAC 0.00001; gnomAD 0.00001 and 0.00002; TOPMed 0.00003; 1000 Genomes Project 30x 0.00016; 1000 Genomes Project 0.00020.
gnomAD v4.1: 19 of 1,612,680 alleles (0.0012%); highest among the groups gnomAD compares: East Asian, 0.011%; no homozygotes.

Submissions (6):

Labcorp Genetics (formerly Invitae), Labcorp
Classification: Uncertain significance. Last evaluated: 2025-11-27. Review status: criteria provided, single submitter. Criteria: Invitae Variant Classification Sherloc (09022015). Collection method: clinical testing. Allele origin: germline.
Comment: This sequence change replaces arginine, which is basic and polar, with cysteine, which is neutral and slightly polar, at codon 2159 of the POLE protein (p.Arg2159Cys). This variant is present in population databases (rs5745067, gnomAD 0.006%). This variant has not been reported in the literature in individuals affected with POLE-related conditions. ClinVar contains an entry for this variant (Variation ID: 505637). Invitae Evidence Modeling of protein sequence and biophysical properties (such as structural, functional, and spatial information, amino acid conservation, physicochemical variation, residue mobility, and thermodynamic stability) indicates that this missense variant is not expected to disrupt POLE protein function with a negative predictive value of 80%. In summary, the available evidence is currently insufficient to determine the role of this variant in disease. Therefore, it has been classified as a Variant of Uncertain Significance.

Ambry Genetics
Classification: Uncertain significance for Hereditary cancer-predisposing syndrome. Last evaluated: 2025-01-14. Review status: criteria provided, single submitter. Criteria: Ambry Variant Classification Scheme 2023. Collection method: clinical testing. Allele origin: germline.
Comment: The p.R2159C variant (also known as c.6475C>T), located in coding exon 46 of the POLE gene, results from a C to T substitution at nucleotide position 6475. The arginine at codon 2159 is replaced by cysteine, an amino acid with highly dissimilar properties. This amino acid position is not well conserved in available vertebrate species. In addition, this alteration is predicted to be tolerated by in silico analysis. Based on the available evidence, the clinical significance of this variant remains unclear.

Fulgent Genetics
Classification: Uncertain significance for Colorectal cancer, susceptibility to, 12; Facial dysmorphism-immunodeficiency-livedo-short stature syndrome; Intrauterine growth retardation, metaphyseal dysplasia, adrenal hypoplasia congenita, genital anomalies, and immunodeficiency. Last evaluated: 2024-06-19. Review status: criteria provided, single submitter. Criteria: ACMG Guidelines, 2015. Collection method: clinical testing. Allele origin: germline.

GeneDx
Classification: Uncertain significance. Last evaluated: 2024-03-17. Review status: criteria provided, single submitter. Criteria: GeneDx Variant Classification Process June 2021. Collection method: clinical testing. Allele origin: germline. Affected: yes.
Comment: Not observed at significant frequency in large population cohorts (gnomAD); In silico analysis supports that this missense variant has a deleterious effect on protein structure/function; Has not been previously published as pathogenic or benign to our knowledge; This variant is associated with the following publications: (PMID: 19296856)

CeGaT Center for Human Genetics Tuebingen
Classification: Likely benign. Last evaluated: 2022-08-01. Review status: criteria provided, single submitter. Criteria: CeGaT Center For Human Genetics Tuebingen Variant Classification Criteria Version 2. Collection method: clinical testing. Allele origin: germline. Affected: yes. Observed: 1 variant allele.
Comment: POLE: BP4

Laboratory for Molecular Medicine, Mass General Brigham Personalized Medicine
Classification: Uncertain significance. Last evaluated: 2017-03-20. Review status: criteria provided, single submitter. Criteria: LMM Criteria. Collection method: clinical testing. Allele origin: germline. Observed: 1 variant allele.
Comment: The p.Arg2159Cys variant in POLE has not been previously reported in individuals with colorectal cancer, but has been identified in 1/51720 European chromosomes by the Exome Aggregation Consortium (ExAC; dbSN P rs5745067). Computational prediction tools and conservation analysis do not pr ovide strong support for or against an impact to the protein. In summary, the cl inical significance of the p.Arg2159Cys variant is uncertain.

NM_006231.4(POLE):c.6475C>T (p.Arg2159Cys)

Gene: POLE (DNA polymerase epsilon, catalytic subunit; minus strand). Cytogenetic location: 12q24.33.
Variant type: single nucleotide variant.
Coding change: c.6475C>T on transcript NM_006231.4 (MANE Select); coding-DNA position 6475, C replaced by T.
Protein change: p.Arg2159Cys; replaces arginine 2159 with cysteine.
Molecular consequence: missense variant.
Genome position (GRCh38, 1-based): chr12:132,626,173, G>A on the plus strand (C>T on the coding strand, the complement: POLE is on the minus strand). VCF-style: chr12-132626173-G-A. GRCh37 (hg19) VCF-style: chr12-133202759-G-A.
Other names: short protein forms R2159C.
Identifiers: ClinVar variation 505637 (VCV000505637.42), dbSNP rs5745067, ClinGen allele CA6892170.